The following is an entry in ClinVar:

ClinVar aggregate classification (germline): Pathogenic (1 of 4 stars; one submission).

Conditions:
ABCB4-related disorder. Also called: ABCB4-related disorders; ABCB4-related condition.

Submission:

PreventionGenetics, part of Exact Sciences
Classification: Pathogenic for ABCB4-related condition. Last evaluated: 2026-05-06. Review status: criteria provided, single submitter. Criteria: ACMG Guidelines, 2015. Collection method: clinical testing. Allele origin: germline.
Comment: The ABCB4 c.3491_3492delAT variant is predicted to result in premature protein termination (p.Tyr1164*). To our knowledge, this variant has not been reported in the literature or in a large population database (gnomAD), indicating this variant is rare. Nonsense variants in ABCB4 are expected to be pathogenic. This variant is interpreted as pathogenic.

NM_000443.4(ABCB4):c.3491_3492del (p.Lys1163_Tyr1164insTer)

Gene: ABCB4 (ATP binding cassette subfamily B member 4; minus strand). Cytogenetic location: 7q21.12.
Variant type: Microsatellite.
Coding change: c.3491_3492del on transcript NM_000443.4 (MANE Select); coding-DNA positions 3491 to 3492, 2 bases deleted (AT; older notation c.3491_3492delAT).
Protein change: p.Lys1163_Tyr1164insTer.
Molecular consequence: nonsense.
Genome position (GRCh38, 1-based): chr7:87,403,276-87,403,277, AT deleted on the plus strand (AT on the coding strand, the reverse complement: ABCB4 is on the minus strand); deleting any 2 consecutive bases within chr7:87,403,276-87,403,279 gives the same sequence; the c. name uses the placement nearest the transcript's 3' end. VCF-style (leftmost placement, unchanged base first): chr7-87403275-CAT-C. GRCh37 (hg19) VCF-style: chr7-87032591-CAT-C.
Other names: c.3512_3513del, p.Lys1170_Tyr1171insTer (NM_018849.3); c.3350_3351del, p.Lys1116_Tyr1117insTer (NM_018850.3).
Identifiers: ClinVar variation 4986437 (VCV004986437.1).